The following is an entry in ClinVar:

NM_173602.3(DIP2B):c.1632G>A (p.Ser544=)

Gene: DIP2B (disco interacting protein 2 homolog B; plus strand). Cytogenetic location: 12q13.12.
Variant type: single nucleotide variant.
Coding change: c.1632G>A on transcript NM_173602.3 (MANE Select); coding-DNA position 1632, G replaced by A.
Protein change: p.Ser544=; no amino-acid change (serine 544 retained).
Molecular consequence: synonymous variant.
Genome position (GRCh38, 1-based): chr12:50,691,129, G>A. VCF-style: chr12-50691129-G-A. GRCh37 (hg19) VCF-style: chr12-51084912-G-A.
Identifiers: ClinVar variation 789047 (VCV000789047.6), dbSNP rs115245528, ClinGen allele CA6564574.

ClinVar aggregate classification (germline): Benign. Review status: criteria provided, multiple submitters, no conflicts (2 of 4 stars). 3 submissions from 3 submitters: Benign (2). 1 of the submissions does not count toward it. Last evaluated 2018-03-01.

Conditions:
DIP2B-related disorder. Also called: DIP2B-related condition.

Allele frequency attached by ClinVar (database versions not stated): 1000 Genomes Project 0.00599; 1000 Genomes Project 30x 0.00640; gnomAD 0.00723 and 0.00775; ESP Exome Variant Server 0.00769; TOPMed 0.00881.
gnomAD v4.1: 2,152 of 1,613,962 alleles (0.13%); highest among the groups gnomAD compares: African/African-American, 2.6%; 27 homozygotes.

Submissions (3):

Labcorp Genetics (formerly Invitae), Labcorp
Classification: Benign. Last evaluated: 2018-03-01. Review status: criteria provided, single submitter. Criteria: Invitae Variant Classification Sherloc (09022015). Collection method: clinical testing. Allele origin: germline.

Breakthrough Genomics
Classification: Benign. Review status: criteria provided, single submitter. Criteria: ACMG Guidelines, 2015. Collection method: not provided. Allele origin: germline. Inheritance: Autosomal dominant inheritance. Affected: yes.

PreventionGenetics, part of Exact Sciences
Classification: Likely benign for DIP2B-related condition. Last evaluated: 2019-09-25. Review status: no assertion criteria provided. Collection method: clinical testing. Allele origin: germline. Not counted in ClinVar's aggregate classification.
Comment: This variant is classified as likely benign based on ACMG/AMP sequence variant interpretation guidelines (Richards et al. 2015 PMID: 25741868, with internal and published modifications).